The following is an entry in ClinVar:

NM_014956.5(CEP164):c.2801G>A (p.Arg934Lys)

Gene: CEP164 (centrosomal protein 164; plus strand). Cytogenetic location: 11q23.3.
Variant type: single nucleotide variant.
Coding change: c.2801G>A on transcript NM_014956.5 (MANE Select); coding-DNA position 2801, G replaced by A.
Protein change: p.Arg934Lys; replaces arginine 934 with lysine.
Molecular consequence: missense variant.
Genome position (GRCh38, 1-based): chr11:117,394,960, G>A. VCF-style: chr11-117394960-G-A. GRCh37 (hg19) VCF-style: chr11-117265676-G-A.
Other names: c.2810G>A, p.Arg937Lys (NM_001271933.2); short protein forms R934K, R937K.
Identifiers: ClinVar variation 2150377 (VCV002150377.3), dbSNP rs148375188, ClinGen allele CA229360320.

ClinVar aggregate classification (germline): Uncertain significance. Review status: criteria provided, multiple submitters, no conflicts (2 of 4 stars). 2 submissions from 2 submitters: Uncertain significance (2). Last evaluated 2024-11-05.

Conditions:
Nephronophthisis 15 (NPHP15). Identifiers: Orphanet 3156, MedGen C3541853, MONDO:0013917, OMIM 614845.

Allele frequency attached by ClinVar (database versions not stated): TOPMed 0.00002; ESP Exome Variant Server 0.00008.
gnomAD v4.1: 31 of 1,614,178 alleles (0.0019%); highest among the groups gnomAD compares: Non-Finnish European, 0.0025%; no homozygotes.

Submissions (2):

Labcorp Genetics (formerly Invitae), Labcorp
Classification: Uncertain significance for Nephronophthisis 15. Last evaluated: 2024-11-05. Review status: criteria provided, single submitter. Criteria: Invitae Variant Classification Sherloc (09022015). Collection method: clinical testing. Allele origin: germline.
Comment: This sequence change replaces arginine, which is basic and polar, with lysine, which is basic and polar, at codon 934 of the CEP164 protein (p.Arg934Lys). This variant is present in population databases (rs148375188, gnomAD 0.002%). This variant has not been reported in the literature in individuals affected with CEP164-related conditions. ClinVar contains an entry for this variant (Variation ID: 2150377). Invitae Evidence Modeling of protein sequence and biophysical properties (such as structural, functional, and spatial information, amino acid conservation, physicochemical variation, residue mobility, and thermodynamic stability) indicates that this missense variant is not expected to disrupt CEP164 protein function with a negative predictive value of 80%. In summary, the available evidence is currently insufficient to determine the role of this variant in disease. Therefore, it has been classified as a Variant of Uncertain Significance.

Fulgent Genetics
Classification: Uncertain significance for Nephronophthisis 15. Last evaluated: 2024-02-06. Review status: criteria provided, single submitter. Criteria: ACMG Guidelines, 2015. Collection method: clinical testing. Allele origin: germline.